The following is an entry in ClinVar:

NM_020822.3(KCNT1):c.1200+12_1200+13delinsGC

Gene: KCNT1 (potassium sodium-activated channel subfamily T member 1; plus strand). Cytogenetic location: 9q34.3.
Variant type: Indel.
Coding change: c.1200+12_1200+13delinsGC on transcript NM_020822.3 (MANE Select); bases 12 to 13 of the intron after coding-DNA position 1200, TA replaced by GC.
Molecular consequence: intron variant.
Genome position (GRCh38, 1-based): chr9:135,765,207-135,765,208, TA replaced by GC. VCF-style: chr9-135765207-TA-GC. GRCh37 (hg19) VCF-style: chr9-138657053-TA-GC.
Other names: c.1065+12_1065+13delinsGC (NM_001272003.2).
Identifiers: ClinVar variation 2950803 (VCV002950803.3), dbSNP rs2490902820, ClinGen allele CA2740092931.
Genomic context (GRCh38, chr9:135,765,207, plus strand): 5'-CCTTCTCATGGACTTCCTGAACGAGTTCTACGCCCACCCCCGGCTCCAGGTGAGGCCCCT[TA>GC]CCGTGGCCCAGCAGACGACTCCCTCCCGGCCCCTAGAGACGCCATCCTCTCCCCAGGACT-3'

ClinVar aggregate classification (germline): Uncertain significance (1 of 4 stars; one submission).

Conditions:
Autosomal dominant nocturnal frontal lobe epilepsy 5. Also called: Epilepsy, nocturnal frontal lobe, 5; KCNT1-Related Epilepsy; CILIARY DYSKINESIA, PRIMARY, 28, WITHOUT SITUS INVERSUS; CILIARY DYSKINESIA, PRIMARY, 28, WITH SITUS INVERSUS. Identifiers: Orphanet 98784, MedGen C3554306, MONDO:0014002, OMIM 615005.
Developmental and epileptic encephalopathy, 14 (DEE14). Also called: Early infantile epileptic encephalopathy 14. Identifiers: Orphanet 293181, MedGen C3554195, MONDO:0013989, OMIM 614959.

Submission:

Labcorp Genetics (formerly Invitae), Labcorp
Classification: Uncertain significance for Autosomal dominant nocturnal frontal lobe epilepsy 5; Developmental and epileptic encephalopathy, 14. Last evaluated: 2023-12-18. Review status: criteria provided, single submitter. Criteria: Invitae Variant Classification Sherloc (09022015). Collection method: clinical testing. Allele origin: germline.
Comment: This sequence change falls in intron 12 of the KCNT1 gene. It does not directly change the encoded amino acid sequence of the KCNT1 protein. Information on the frequency of this variant in the gnomAD database is not available, as this variant may be reported differently in the database. This variant has not been reported in the literature in individuals affected with KCNT1-related conditions. Experimental studies and prediction algorithms are not available or were not evaluated, and the effect of this variant on mRNA splicing is currently unknown. In summary, the available evidence is currently insufficient to determine the role of this variant in disease. Therefore, it has been classified as a Variant of Uncertain Significance.